The following is an entry in ClinVar:

NM_000038.6(APC):c.935T>C (p.Val312Ala)

Gene: APC (APC regulator of Wnt signaling pathway; plus strand). Cytogenetic location: 5q22.2.
Variant type: single nucleotide variant.
Coding change: c.935T>C on transcript NM_000038.6 (MANE Select); coding-DNA position 935, T replaced by C.
Protein change: p.Val312Ala; replaces valine 312 with alanine.
Molecular consequence: missense variant. On other transcripts: non-coding transcript variant (2), intron variant (15).
Genome position (GRCh38, 1-based): chr5:112,818,967, T>C. VCF-style: chr5-112818967-T-C. GRCh37 (hg19) VCF-style: chr5-112154664-T-C.
Other names: c.935T>C (NM_000038.5); c.935T>C, p.Val312Ala (NM_001127510.3, NM_001354895.2, NM_001354896.2 and 4 more transcripts); c.881T>C, p.Val294Ala (NM_001127511.3); c.965T>C, p.Val322Ala (NM_001354897.2, NM_001407446.1); c.860T>C, p.Val287Ala (NM_001354898.2, NM_001407451.1); c.851T>C, p.Val284Ala (NM_001354899.2, NM_001407452.1); c.758T>C, p.Val253Ala (NM_001354900.2, NM_001354901.2, NM_001407453.1); c.86T>C, p.Val29Ala (NM_001354906.2, NM_001407470.1); and 6 more; short protein forms V253A, V284A, V287A, V294A, V29A, V312A, V322A.
Identifiers: ClinVar variation 3074380 (VCV003074380.4), dbSNP rs2149778615, ClinGen allele CA16023355.

ClinVar aggregate classification (germline): Uncertain significance. Review status: criteria provided, multiple submitters, no conflicts (2 of 4 stars). 3 submissions from 3 submitters: Uncertain significance (3). Last evaluated 2024-11-04.

Conditions:
Familial adenomatous polyposis 1 (FAP1). Also called: POLYPOSIS, ADENOMATOUS INTESTINAL; FAMILIAL ADENOMATOUS POLYPOSIS 1, ATTENUATED. Identifiers: MedGen C2713442, MONDO:0021056, OMIM 175100. Disease mechanism: loss of function.
Classic or attenuated familial adenomatous polyposis. Identifiers: MedGen CN372698, MONDO:0021057.
Hereditary cancer-predisposing syndrome. Also called: Neoplastic Syndromes, Hereditary; Tumor predisposition; Hereditary neoplastic syndrome; Hereditary Cancer Syndrome. Identifiers: Orphanet 140162, MedGen C0027672, MeSH D009386, MONDO:0015356.

Submissions (3):

Labcorp Genetics (formerly Invitae), Labcorp
Classification: Uncertain significance for Familial adenomatous polyposis 1. Last evaluated: 2024-11-04. Review status: criteria provided, single submitter. Criteria: Invitae Variant Classification Sherloc (09022015). Collection method: clinical testing. Allele origin: germline.
Comment: This sequence change replaces valine, which is neutral and non-polar, with alanine, which is neutral and non-polar, at codon 312 of the APC protein (p.Val312Ala). This variant is not present in population databases (gnomAD no frequency). This variant has not been reported in the literature in individuals affected with APC-related conditions. ClinVar contains an entry for this variant (Variation ID: 3074380). An algorithm developed to predict the effect of missense changes on protein structure and function (PolyPhen-2) suggests that this variant is likely to be disruptive. In summary, the available evidence is currently insufficient to determine the role of this variant in disease. Therefore, it has been classified as a Variant of Uncertain Significance.

Ambry Genetics
Classification: Uncertain significance for Hereditary cancer-predisposing syndrome. Last evaluated: 2024-04-18. Review status: criteria provided, single submitter. Criteria: Ambry Variant Classification Scheme 2023. Collection method: clinical testing. Allele origin: germline.
Comment: The p.V312A variant (also known as c.935T>C), located in coding exon 9 of the APC gene, results from a T to C substitution at nucleotide position 935. The valine at codon 312 is replaced by alanine, an amino acid with similar properties. This amino acid position is conserved. In addition, in silico predictors for this gene do not accurately predict pathogenicity. Based on the available evidence, the clinical significance of this variant remains unclear.

All of Us Research Program, National Institutes of Health
Classification: Uncertain significance for Classic or attenuated familial adenomatous polyposis. Last evaluated: 2023-11-02. Review status: criteria provided, single submitter. Criteria: ACMG Guidelines, 2015. Collection method: clinical testing. Allele origin: germline. Inheritance: Autosomal dominant inheritance. Observed: 1 variant allele, 1 heterozygote.
Comment: This missense variant replaces valine with alanine at codon 312 of the APC protein. Computational prediction suggests that this variant may have deleterious impact on protein structure and function (internally defined REVEL score threshold >= 0.7, PMID: 27666373). To our knowledge, functional studies have not been reported for this variant. This variant has not been reported in individuals affected with APC-related disorders in the literature. This variant has not been identified in the general population by the Genome Aggregation Database (gnomAD). The available evidence is insufficient to determine the role of this variant in disease conclusively. Therefore, this variant is classified as a Variant of Uncertain Significance.

This study involves interpretation of variants in research participants for the purpose of population health screening. Participant phenotype was not available at the time of variant classification. Additional details can be found in publication PMID: 35346344, PMCID: PMC8962531